The following is an entry in ClinVar:

NM_000393.5(COL5A2):c.4295A>G (p.Asp1432Gly)

Gene: COL5A2 (collagen type V alpha 2 chain; minus strand). Cytogenetic location: 2q32.2.
Variant type: single nucleotide variant.
Coding change: c.4295A>G on transcript NM_000393.5 (MANE Select); coding-DNA position 4295, A replaced by G.
Protein change: p.Asp1432Gly; replaces aspartic acid 1432 with glycine.
Molecular consequence: missense variant.
Genome position (GRCh38, 1-based): chr2:189,034,974, T>C on the plus strand (A>G on the coding strand, the complement: COL5A2 is on the minus strand). VCF-style: chr2-189034974-T-C. GRCh37 (hg19) VCF-style: chr2-189899700-T-C.
Other names: c.4295A>G (NM_000393.3); short protein forms D1432G.
Identifiers: ClinVar variation 1037755 (VCV001037755.11), dbSNP rs141777954, ClinGen allele CA62581237.

ClinVar aggregate classification (germline): Uncertain significance. Review status: criteria provided, multiple submitters, no conflicts (2 of 4 stars). 3 submissions from 3 submitters: Uncertain significance (3). Last evaluated 2026-04-06.

Conditions:
Ehlers-Danlos syndrome, classic type, 1 (EDSCL1). Also called: EHLERS-DANLOS SYNDROME, GRAVIS TYPE; EHLERS-DANLOS SYNDROME, SEVERE CLASSIC TYPE; EDS I; Ehlers-Danlos Syndrome, Classic Type, COL5A1-Related; Ehlers-Danlos syndrome, type 1. Identifiers: MedGen C0268335, MONDO:0019567, OMIM 130000.
Familial thoracic aortic aneurysm and aortic dissection (TAAD). Also called: Thoracic aortic aneurysms and dissections. Identifiers: Orphanet 91387, MedGen C4707243, MONDO:0019625.

Allele frequency attached by ClinVar (database versions not stated): TOPMed 0.00002.
gnomAD v4.1: 12 of 1,613,842 alleles (0.00074%); highest among the groups gnomAD compares: Admixed American, 0.0017%; no homozygotes.

Submissions (3):

Ambry Genetics
Classification: Uncertain significance for Familial thoracic aortic aneurysm and aortic dissection. Last evaluated: 2026-04-06. Review status: criteria provided, single submitter. Criteria: Ambry Variant Classification Scheme 2023. Collection method: clinical testing. Allele origin: germline.
Comment: The c.4295A>G (p.D1432G) alteration is located in exon 53 (coding exon 53) of the COL5A2 gene. This alteration results from a A to G substitution at nucleotide position 4295, causing the aspartic acid (D) at amino acid position 1432 to be replaced by a glycine (G). Based on data from gnomAD, the G allele has an overall frequency of 0.003% (1/31406) total alleles studied. The highest observed frequency was 0.007% (1/15432) of European (non-Finnish) alleles. Based on insufficient or conflicting evidence, the clinical significance of this alteration remains unclear.

Labcorp Genetics (formerly Invitae), Labcorp
Classification: Uncertain significance for Ehlers-Danlos syndrome, classic type, 1. Last evaluated: 2025-12-27. Review status: criteria provided, single submitter. Criteria: Invitae Variant Classification Sherloc (09022015). Collection method: clinical testing. Allele origin: germline.
Comment: This sequence change replaces aspartic acid, which is acidic and polar, with glycine, which is neutral and non-polar, at codon 1432 of the COL5A2 protein (p.Asp1432Gly). This variant is present in population databases (no rsID available, gnomAD 0.007%). This variant has not been reported in the literature in individuals affected with COL5A2-related conditions. ClinVar contains an entry for this variant (Variation ID: 1037755). Invitae Evidence Modeling of protein sequence and biophysical properties (such as structural, functional, and spatial information, amino acid conservation, physicochemical variation, residue mobility, and thermodynamic stability) indicates that this missense variant is not expected to disrupt COL5A2 protein function with a negative predictive value of 80%. In summary, the available evidence is currently insufficient to determine the role of this variant in disease. Therefore, it has been classified as a Variant of Uncertain Significance.

GeneDx
Classification: Uncertain significance. Last evaluated: 2023-08-15. Review status: criteria provided, single submitter. Criteria: GeneDx Variant Classification Process June 2021. Collection method: clinical testing. Allele origin: germline. Affected: yes.
Comment: Has not been previously published as pathogenic or benign to our knowledge; Not observed at significant frequency in large population cohorts (gnomAD); Not located in the triple helical region, where the majority of pathogenic missense variants occur (Symoens et al., 2012; HGMD); In silico analysis supports that this missense variant has a deleterious effect on protein structure/function; This variant is associated with the following publications: (PMID: 22696272)